The following is an entry in ClinVar:

NM_001308093.3(GATA4):c.1181G>T (p.Gly394Val)

Gene: GATA4 (GATA binding protein 4). Cytogenetic location: 8p23.1.
Variant type: single nucleotide variant.
Coding change: c.1181G>T on transcript NM_001308093.3 (MANE Select); coding-DNA position 1181, G replaced by T.
Protein change: p.Gly394Val; replaces glycine 394 with valine.
Molecular consequence: missense variant.
Genome position (GRCh38, 1-based): chr8:11,758,324, G>T. VCF-style: chr8-11758324-G-T. GRCh37 (hg19) VCF-style: chr8-11615833-G-T.
Other names: c.560G>T, p.Gly187Val (NM_001308094.2, NM_001374273.1); c.434G>T, p.Gly145Val (NM_001374274.1); c.1178G>T, p.Gly393Val (NM_002052.5); short protein forms G145V, G187V, G394V, G393V.
Identifiers: ClinVar variation 2452504 (VCV002452504.6), dbSNP rs1000341752, ClinGen allele CA370315590.

ClinVar aggregate classification (germline): Uncertain significance. Review status: criteria provided, multiple submitters, no conflicts (2 of 4 stars). 3 submissions from 3 submitters: Uncertain significance (3). Last evaluated 2025-04-20.

Conditions:
Cardiovascular phenotype. Identifiers: MedGen CN230736.
Atrioventricular septal defect 4 (AVSD4). Identifiers: MedGen C3280781, MONDO:0013747, OMIM 614430.

gnomAD v4.1: 5 of 1,614,090 alleles (0.00031%); highest among the groups gnomAD compares: Non-Finnish European, 0.00042%; no homozygotes.

Submissions (3):

Ambry Genetics
Classification: Uncertain significance for Cardiovascular phenotype. Last evaluated: 2025-04-20. Review status: criteria provided, single submitter. Criteria: Ambry Variant Classification Scheme 2023. Collection method: clinical testing. Allele origin: germline.
Comment: The p.G393V variant (also known as c.1178G>T), located in coding exon 6 of the GATA4 gene, results from a G to T substitution at nucleotide position 1178. The glycine at codon 393 is replaced by valine, an amino acid with dissimilar properties. This amino acid position is conserved. In addition, this alteration is predicted to be deleterious by in silico analysis. Since supporting evidence is limited at this time, the clinical significance of this alteration remains unclear.

Labcorp Genetics (formerly Invitae), Labcorp
Classification: Uncertain significance for Atrioventricular septal defect 4. Last evaluated: 2024-10-02. Review status: criteria provided, single submitter. Criteria: Invitae Variant Classification Sherloc (09022015). Collection method: clinical testing. Allele origin: germline.
Comment: This sequence change replaces glycine, which is neutral and non-polar, with valine, which is neutral and non-polar, at codon 393 of the GATA4 protein (p.Gly393Val). This variant is not present in population databases (gnomAD no frequency). This variant has not been reported in the literature in individuals affected with GATA4-related conditions. ClinVar contains an entry for this variant (Variation ID: 2452504). Invitae Evidence Modeling of protein sequence and biophysical properties (such as structural, functional, and spatial information, amino acid conservation, physicochemical variation, residue mobility, and thermodynamic stability) indicates that this missense variant is not expected to disrupt GATA4 protein function with a negative predictive value of 80%. In summary, the available evidence is currently insufficient to determine the role of this variant in disease. Therefore, it has been classified as a Variant of Uncertain Significance.

GeneDx
Classification: Uncertain significance. Last evaluated: 2024-07-25. Review status: criteria provided, single submitter. Criteria: GeneDx Variant Classification Process June 2021. Collection method: clinical testing. Allele origin: germline. Affected: yes.
Comment: Not observed at significant frequency in large population cohorts (gnomAD); In silico analysis supports that this missense variant has a deleterious effect on protein structure/function; Has not been previously published as pathogenic or benign to our knowledge